The following is an entry in ClinVar:

ClinVar aggregate classification (germline): Conflicting classifications of pathogenicity. Review status: criteria provided, conflicting classifications (1 of 4 stars). 2 submissions from 2 submitters: Uncertain significance (1); Likely benign (1). Last evaluated 2024-10-03.

Allele frequency attached by ClinVar (database versions not stated): gnomAD 0.00002; TOPMed 0.00002; ESP Exome Variant Server 0.00010.
gnomAD v4.1: 10 of 1,539,182 alleles (0.00065%); highest among the groups gnomAD compares: South Asian, 0.0084%; no homozygotes.

Submissions (2):

Blueprint Genetics
Classification: Likely benign. Last evaluated: 2024-10-03. Review status: criteria provided, single submitter. Criteria: ACMG Guidelines, 2015. Collection method: clinical testing. Allele origin: germline.

GeneDx
Classification: Uncertain significance. Last evaluated: 2022-06-06. Review status: criteria provided, single submitter. Criteria: GeneDx Variant Classification Process June 2021. Collection method: clinical testing. Allele origin: germline. Affected: yes.
Comment: In silico analysis supports a deleterious effect on splicing; Has not been previously published as pathogenic or benign to our knowledge

NM_001844.5(COL2A1):c.-5G>A

Gene: COL2A1 (collagen type II alpha 1 chain; minus strand). Cytogenetic location: 12q13.11.
Variant type: single nucleotide variant.
Coding change: c.-5G>A on transcript NM_001844.5 (MANE Select); 5 bases upstream of the start codon, G replaced by A.
Molecular consequence: 5 prime UTR variant.
Genome position (GRCh38, 1-based): chr12:48,004,326, C>T on the plus strand (G>A on the coding strand, the complement: COL2A1 is on the minus strand). VCF-style: chr12-48004326-C-T. GRCh37 (hg19) VCF-style: chr12-48398109-C-T.
Other names: c.-5G>A (NM_033150.3).
Identifiers: ClinVar variation 1803685 (VCV001803685.2), dbSNP rs376791587, ClinGen allele CA236497910.
Genomic context (GRCh38, chr12:48,004,326, plus strand): 5'-GCGGCGACGAGCAGCGTCAGCAGCACCAGCGTCTGGGGAGCCCCGAGGCGAATCATGGCT[C>T]ACCGCGGGGCCTGGCTGAGCCGGGCCCGGGCGGAGCGCAGCGAAACGGCAGGAGCACGGC-3'